The following is an entry in ClinVar:

NM_000465.4(BARD1):c.813T>A (p.Cys271Ter)

Gene: BARD1 (BRCA1 associated RING domain 1; minus strand). Cytogenetic location: 2q35.
Variant type: single nucleotide variant.
Coding change: c.813T>A on transcript NM_000465.4 (MANE Select); coding-DNA position 813, T replaced by A.
Protein change: p.Cys271Ter; replaces cysteine 271 with a stop codon.
Molecular consequence: nonsense. On other transcripts: non-coding transcript variant (2), intron variant (3).
Genome position (GRCh38, 1-based): chr2:214,781,061, A>T on the plus strand (T>A on the coding strand, the complement: BARD1 is on the minus strand). VCF-style: chr2-214781061-A-T. GRCh37 (hg19) VCF-style: chr2-215645785-A-T.
Other names: c.756T>A, p.Cys252Ter (NM_001282543.2); c.158+28351T>A (NM_001282548.2); c.215+16000T>A (NM_001282545.2); c.364+11236T>A (NM_001282549.2); short protein forms C252*, C271*.
Identifiers: ClinVar variation 4856778 (VCV004856778.1).

ClinVar aggregate classification (germline): Pathogenic (1 of 4 stars; one submission).

Conditions:
Familial cancer of breast. Also called: BREAST CANCER, FAMILIAL; Hereditary breast cancer; hereditary breast carcinoma. Identifiers: Orphanet 227535, MedGen C0346153, MONDO:0016419, OMIM 114480. Disease mechanism: loss of function.

Submission:

Myriad Genetics, Inc.
Classification: Pathogenic for Familial cancer of breast. Last evaluated: 2026-03-19. Review status: criteria provided, single submitter. Criteria: Myriad Autosomal Dominant, Autosomal Recessive and X-Linked Classification Criteria (2023). Collection method: clinical testing. Allele origin: unknown.
Comment: This variant is considered pathogenic. This variant creates a termination codon and is predicted to result in premature protein truncation.